The following is an entry in ClinVar:

ClinVar aggregate classification (germline): Uncertain significance. Review status: criteria provided, multiple submitters, no conflicts (2 of 4 stars). 2 submissions from 2 submitters: Uncertain significance (2). Last evaluated 2026-09-15.

Conditions:
SEMA3C-related disorder. Also called: SEMA3C-related condition.

Allele frequency attached by ClinVar (database versions not stated): gnomAD exomes 0.00001; TOPMed 0.00001.
gnomAD v4.1: 3 of 1,607,834 alleles (0.00019%); highest among the groups gnomAD compares: Admixed American, 0.005%; no homozygotes.

Submissions (2):

PreventionGenetics, part of Exact Sciences
Classification: Uncertain significance for SEMA3C-related condition. Last evaluated: 2026-09-15. Review status: criteria provided, single submitter. Criteria: ACMG Guidelines, 2015. Collection method: clinical testing. Allele origin: germline.
Comment: The SEMA3C c.1409A>G variant is predicted to result in the amino acid substitution p.Asp470Gly. To our knowledge, this variant has not been reported in the literature. This variant is reported in 0.0059% of alleles in individuals of Latino descent in gnomAD. At this time, the clinical significance of this variant is uncertain due to the absence of conclusive functional and genetic evidence.

Ambry Genetics
Classification: Uncertain significance. Last evaluated: 2021-10-20. Review status: criteria provided, single submitter. Criteria: Ambry Variant Classification Scheme 2023. Collection method: clinical testing. Allele origin: germline.

NM_006379.5(SEMA3C):c.1355A>G (p.Asp452Gly)

Gene: SEMA3C (semaphorin 3C; minus strand). Cytogenetic location: 7q21.11.
Variant type: single nucleotide variant.
Coding change: c.1355A>G on transcript NM_006379.5 (MANE Select); coding-DNA position 1355, A replaced by G.
Protein change: p.Asp452Gly; replaces aspartic acid 452 with glycine.
Molecular consequence: missense variant.
Genome position (GRCh38, 1-based): chr7:80,765,243, T>C on the plus strand (A>G on the coding strand, the complement: SEMA3C is on the minus strand). VCF-style: chr7-80765243-T-C. GRCh37 (hg19) VCF-style: chr7-80394559-T-C.
Other names: c.1409A>G, p.Asp470Gly (NM_001350120.2); c.1181A>G, p.Asp394Gly (NM_001350121.2); c.1409A>G (NM_001350120.1); short protein forms D394G, D470G, D452G.
Identifiers: ClinVar variation 2211936 (VCV002211936.5), dbSNP rs985404662, ClinGen allele CA161060645.